The following is an entry in ClinVar:

ClinVar aggregate classification (germline): Benign/Likely benign. Review status: criteria provided, multiple submitters, no conflicts (2 of 4 stars). 4 submissions from 4 submitters: Benign (1); Likely benign (3). Last evaluated 2026-01-31.

Conditions:
MOCS2-related disorder. Also called: MOCS2-related condition.

Allele frequency attached by ClinVar (database versions not stated): ESP Exome Variant Server 0.00008; TOPMed 0.00013; gnomAD 0.00014 and 0.00033; gnomAD exomes 0.00131; ExAC 0.00133; 1000 Genomes Project 30x 0.00250; 1000 Genomes Project 0.00280.
gnomAD v4.1: 946 of 1,613,972 alleles (0.059%); highest among the groups gnomAD compares: South Asian, 0.73%; 21 homozygotes.

Submissions (4):

Labcorp Genetics (formerly Invitae), Labcorp
Classification: Benign. Last evaluated: 2026-01-31. Review status: criteria provided, single submitter. Criteria: Invitae Variant Classification Sherloc (09022015). Collection method: clinical testing. Allele origin: germline.

CeGaT Center for Human Genetics Tuebingen
Classification: Likely benign. Last evaluated: 2025-09-01. Review status: criteria provided, single submitter. Criteria: CeGaT Center For Human Genetics Tuebingen Variant Classification Criteria Version 2. Collection method: clinical testing. Allele origin: germline. Affected: yes. Observed: 6 variant alleles.
Comment: MOCS2: BP4, BP7, BS2

PreventionGenetics, part of Exact Sciences
Classification: Likely benign for MOCS2-related condition. Last evaluated: 2025-07-24. Review status: criteria provided, single submitter. Criteria: ACMG Guidelines, 2015. Collection method: clinical testing. Allele origin: germline.
Comment: This variant is classified as likely benign based on ACMG/AMP sequence variant interpretation guidelines (Richards et al. 2015 PMID: 25741868, with internal and published modifications).

Breakthrough Genomics
Classification: Likely benign. Review status: criteria provided, single submitter. Criteria: ACMG Guidelines, 2015. Collection method: not provided. Allele origin: germline. Inheritance: Autosomal recessive inheritance. Affected: yes.

NM_004531.5(MOCS2):c.318T>C (p.Ile106=)

Gene: MOCS2 (molybdenum cofactor synthesis 2; minus strand). Cytogenetic location: 5q11.2.
Variant type: single nucleotide variant.
Coding change: c.318T>C on transcript NM_004531.5 (MANE Select); coding-DNA position 318, T replaced by C.
Protein change: p.Ile106=; no amino-acid change (isoleucine 106 retained).
Molecular consequence: synonymous variant. On other transcripts: 3 prime UTR variant (1).
Genome position (GRCh38, 1-based): chr5:53,101,418, A>G on the plus strand (T>C on the coding strand, the complement: MOCS2 is on the minus strand). VCF-style: chr5-53101418-A-G. GRCh37 (hg19) VCF-style: chr5-52397248-A-G.
Other names: c.318T>C (NM_004531.4); c.*238T>C (NM_176806.4).
Identifiers: ClinVar variation 809758 (VCV000809758.51), dbSNP rs142746131, ClinGen allele CA3263652.